The following is an entry in ClinVar:

ClinVar aggregate classification (germline): Uncertain significance (1 of 4 stars; one submission).

Allele frequency attached by ClinVar (database versions not stated): TOPMed 0.00001; gnomAD 0.00002; gnomAD exomes 0.00002; ExAC 0.00012.

Submission:

Labcorp Genetics (formerly Invitae), Labcorp
Classification: Uncertain significance. Last evaluated: 2023-11-02. Review status: criteria provided, single submitter. Criteria: Invitae Variant Classification Sherloc (09022015). Collection method: clinical testing. Allele origin: germline.
Comment: This sequence change replaces threonine, which is neutral and polar, with serine, which is neutral and polar, at codon 342 of the WNT1 protein (p.Thr342Ser). This variant is present in population databases (rs756414060, gnomAD 0.005%). This variant has not been reported in the literature in individuals affected with WNT1-related conditions. Advanced modeling of protein sequence and biophysical properties (such as structural, functional, and spatial information, amino acid conservation, physicochemical variation, residue mobility, and thermodynamic stability) performed at Invitae indicates that this missense variant is not expected to disrupt WNT1 protein function with a negative predictive value of 80%. In summary, the available evidence is currently insufficient to determine the role of this variant in disease. Therefore, it has been classified as a Variant of Uncertain Significance.

NM_005430.4(WNT1):c.1025C>G (p.Thr342Ser)

Gene: WNT1 (Wnt family member 1; plus strand). Cytogenetic location: 12q13.12.
Variant type: single nucleotide variant.
Coding change: c.1025C>G on transcript NM_005430.4 (MANE Select); coding-DNA position 1025, C replaced by G.
Protein change: p.Thr342Ser; replaces threonine 342 with serine.
Molecular consequence: missense variant.
Genome position (GRCh38, 1-based): chr12:48,981,552, C>G. VCF-style: chr12-48981552-C-G. GRCh37 (hg19) VCF-style: chr12-49375335-C-G.
Other names: short protein forms T342S.
Identifiers: ClinVar variation 2792938 (VCV002792938.2), dbSNP rs756414060, ClinGen allele CA6544498.